The following is an entry in ClinVar:

ClinVar aggregate classification (germline): Likely benign (1 of 4 stars; one submission).

Submission:

CeGaT Center for Human Genetics Tuebingen
Classification: Likely benign. Last evaluated: 2025-09-01. Review status: criteria provided, single submitter. Criteria: CeGaT Center For Human Genetics Tuebingen Variant Classification Criteria Version 2. Collection method: clinical testing. Allele origin: germline. Affected: yes. Observed: 1 variant allele.
Comment: EPS8L2: BP4, BP7

NM_022772.4(EPS8L2):c.*432C>T

Gene: EPS8L2 (EPS8 signaling adaptor L2; plus strand). Cytogenetic location: 11p15.5.
Variant type: single nucleotide variant.
Coding change: c.*432C>T on transcript NM_022772.4 (MANE Select); 432 bases downstream of the stop codon, C replaced by T.
Molecular consequence: 3 prime UTR variant.
Genome position (GRCh38, 1-based): chr11:727,413, C>T. VCF-style: chr11-727413-C-T. GRCh37 (hg19) VCF-style: chr11-727413-C-T.
Other names: c.*432C>T (NM_001441192.1, NM_001441193.1, NM_001441194.1).
Identifiers: ClinVar variation 4281158 (VCV004281158.7).